The following is an entry in ClinVar:

NM_002582.4(PARN):c.1005+2T>A

Gene: PARN (poly(A)-specific ribonuclease; minus strand). Cytogenetic location: 16p13.12.
Variant type: single nucleotide variant.
Coding change: c.1005+2T>A on transcript NM_002582.4 (MANE Select); the canonical splice donor site of the intron after coding-DNA position 1005, T replaced by A.
Molecular consequence: splice donor variant.
Genome position (GRCh38, 1-based): chr16:14,584,747, A>T on the plus strand (T>A on the coding strand, the complement: PARN is on the minus strand). VCF-style: chr16-14584747-A-T. GRCh37 (hg19) VCF-style: chr16-14678604-A-T.
Other names: c.822+2T>A (NM_001134477.3); c.867+2T>A (NM_001242992.2).
Identifiers: ClinVar variation 2931091 (VCV002931091.4), dbSNP rs2507867198, ClinGen allele CA394803117.

ClinVar aggregate classification (germline): Likely pathogenic (1 of 4 stars; one submission).

Conditions:
Dyskeratosis congenita, autosomal recessive 6 (DKCB6). Identifiers: MedGen C4225356, MONDO:0014600, OMIM 616353.
Pulmonary fibrosis and/or bone marrow failure, Telomere-related, 4. Also called: PULMONARY FIBROSIS AND/OR BONE MARROW FAILURE SYNDROME, TELOMERE-RELATED, 4. Identifiers: Orphanet 2032, MedGen C4225347, MONDO:0014612, OMIM 616371.

Submissions (2):

Labcorp Genetics (formerly Invitae), Labcorp
Classification: Likely pathogenic for Dyskeratosis congenita, autosomal recessive 6; Pulmonary fibrosis and/or bone marrow failure, Telomere-related, 4. Last evaluated: 2024-01-21. Review status: criteria provided, single submitter. Criteria: Invitae Variant Classification Sherloc (09022015). Collection method: clinical testing. Allele origin: germline.
Comment: This sequence change affects a donor splice site in intron 15 of the PARN gene. It is expected to disrupt RNA splicing. Variants that disrupt the donor or acceptor splice site typically lead to a loss of protein function (PMID: 16199547), and loss-of-function variants in PARN are known to be pathogenic (PMID: 9736620, 25848748, 26810774). This variant is not present in population databases (gnomAD no frequency). This variant has not been reported in the literature in individuals affected with PARN-related conditions. Algorithms developed to predict the effect of sequence changes on RNA splicing suggest that this variant may disrupt the consensus splice site. In summary, the currently available evidence indicates that the variant is pathogenic, but additional data are needed to prove that conclusively. Therefore, this variant has been classified as Likely Pathogenic.

Dr. Peter K. Rogan Lab, Western University
No classification provided (evidence only). Condition: Nonpapillary renal cell carcinoma. Review status: no classification provided. Collection method: in vitro. Allele origin: not applicable. Functional consequence: retained intron. Not counted in ClinVar's aggregate classification.

Literature cited by the submitters: PubMed 16199547 (cited by Labcorp Genetics (formerly Invitae), Labcorp); PubMed 9736620 (cited by Labcorp Genetics (formerly Invitae), Labcorp); PubMed 25848748 (cited by Labcorp Genetics (formerly Invitae), Labcorp); PubMed 26810774 (cited by Labcorp Genetics (formerly Invitae), Labcorp).